The following is an entry in ClinVar:

ClinVar aggregate classification (germline): Uncertain significance (1 of 4 stars; one submission).

Submission:

CeGaT Center for Human Genetics Tuebingen
Classification: Uncertain significance. Last evaluated: 2022-05-01. Review status: criteria provided, single submitter. Criteria: CeGaT Center For Human Genetics Tuebingen Variant Classification Criteria Version 2. Collection method: clinical testing. Allele origin: germline. Affected: yes. Observed: 1 variant allele.
Comment: HPSE2: PM2

NM_021828.5(HPSE2):c.586A>G (p.Thr196Ala)

Gene: HPSE2 (heparanase 2 (inactive); minus strand). Cytogenetic location: 10q24.2.
Variant type: single nucleotide variant.
Coding change: c.586A>G on transcript NM_021828.5 (MANE Select); coding-DNA position 586, A replaced by G.
Protein change: p.Thr196Ala; replaces threonine 196 with alanine.
Molecular consequence: missense variant. On other transcripts: intron variant (1).
Genome position (GRCh38, 1-based): chr10:99,144,262, T>C on the plus strand (A>G on the coding strand, the complement: HPSE2 is on the minus strand). VCF-style: chr10-99144262-T-C. GRCh37 (hg19) VCF-style: chr10-100904019-T-C.
Other names: c.586A>G, p.Thr196Ala (NM_001166244.1, NM_001166246.1); c.448+88086A>G (NM_001166245.1); short protein forms T196A.
Identifiers: ClinVar variation 2640744 (VCV002640744.24), dbSNP rs2493491319, ClinGen allele CA378250118.